The following is an entry in ClinVar:

ClinVar aggregate classification (germline): Likely benign. Review status: criteria provided, multiple submitters, no conflicts (2 of 4 stars). 4 submissions from 4 submitters: Likely benign (3). 1 of the submissions does not count toward it. Last evaluated 2024-03-04.

Conditions:
GRM6-related disorder. Also called: GRM6-related condition.

Allele frequency attached by ClinVar (database versions not stated): gnomAD exomes 0.00006; ExAC 0.00020; 1000 Genomes Project 0.00060; 1000 Genomes Project 30x 0.00062; gnomAD 0.00094 and 0.00104; TOPMed 0.00123.
gnomAD v4.1: 249 of 1,392,496 alleles (0.018%); highest among the groups gnomAD compares: African/African-American, 0.35%; no homozygotes.

Submissions (4):

Blueprint Genetics
Classification: Likely benign. Last evaluated: 2024-03-04. Review status: criteria provided, single submitter. Criteria: ACMG Guidelines, 2015. Collection method: clinical testing. Allele origin: germline.

Labcorp Genetics (formerly Invitae), Labcorp
Classification: Likely benign. Last evaluated: 2019-12-31. Review status: criteria provided, single submitter. Criteria: Invitae Variant Classification Sherloc (09022015). Collection method: clinical testing. Allele origin: germline.

Breakthrough Genomics
Classification: Likely benign. Review status: criteria provided, single submitter. Criteria: ACMG Guidelines, 2015. Collection method: not provided. Allele origin: germline. Inheritance: Autosomal recessive inheritance. Affected: yes.

PreventionGenetics, part of Exact Sciences
Classification: Likely benign for GRM6-related condition. Last evaluated: 2019-08-22. Review status: no assertion criteria provided. Collection method: clinical testing. Allele origin: germline. Not counted in ClinVar's aggregate classification.
Comment: This variant is classified as likely benign based on ACMG/AMP sequence variant interpretation guidelines (Richards et al. 2015 PMID: 25741868, with internal and published modifications).

NM_000843.4(GRM6):c.177G>A (p.Gln59=)

Gene: GRM6 (glutamate metabotropic receptor 6; minus strand). Cytogenetic location: 5q35.3.
Variant type: single nucleotide variant.
Coding change: c.177G>A on transcript NM_000843.4 (MANE Select); coding-DNA position 177, G replaced by A.
Protein change: p.Gln59=; no amino-acid change (glutamine 59 retained).
Molecular consequence: synonymous variant.
Genome position (GRCh38, 1-based): chr5:178,994,768, C>T on the plus strand (G>A on the coding strand, the complement: GRM6 is on the minus strand). VCF-style: chr5-178994768-C-T. GRCh37 (hg19) VCF-style: chr5-178421769-C-T.
Identifiers: ClinVar variation 733888 (VCV000733888.8), dbSNP rs563976478, ClinGen allele CA3594585.